The following is an entry in ClinVar:

NM_018896.5(CACNA1G):c.2885T>C (p.Ile962Thr)

Gene: CACNA1G (calcium voltage-gated channel subunit alpha1 G; plus strand). Cytogenetic location: 17q21.33.
Variant type: single nucleotide variant.
Coding change: c.2885T>C on transcript NM_018896.5 (MANE Select); coding-DNA position 2885, T replaced by C.
Protein change: p.Ile962Thr; replaces isoleucine 962 with threonine.
Molecular consequence: missense variant. On other transcripts: non-coding transcript variant (5).
Genome position (GRCh38, 1-based): chr17:50,592,067, T>C. VCF-style: chr17-50592067-T-C. GRCh37 (hg19) VCF-style: chr17-48669428-T-C.
Other names: c.2885T>C, p.Ile962Thr (NM_001256324.2, NM_001256325.2, NM_001256326.2 and 24 more transcripts); short protein forms I962T.
Identifiers: ClinVar variation 1329501 (VCV001329501.3), dbSNP rs2145513175, ClinGen allele CA400250081.
Genomic context (GRCh38, chr17:50,592,067, plus strand): 5'-TTTATTTCATTGCCCTCATGACCTTCGGCAACTACGTGCTCTTCAATTTGCTGGTCGCCA[T>C]TCTGGTGGAGGGCTTCCAGGCGGAGGTAACCCACTGCTCTGCCCACCTCACCCTGCCCAC-3'
Protein context (NP_061496.2, residues 952-972): NYVLFNLLVA[Ile962Thr]LVEGFQAEEI

ClinVar aggregate classification (germline): Uncertain significance (1 of 4 stars; one submission).

Conditions:
Spinocerebellar ataxia type 42. Identifiers: Orphanet 458803, MedGen C4225205, MONDO:0014776, OMIM 616795.
Spinocerebellar ataxia 42, early-onset, severe, with neurodevelopmental deficits. Identifiers: MedGen C4748120, MONDO:0060758, OMIM 618087.

Submission:

Diagnostics Services (NGS), CSIR - Centre For Cellular And Molecular Biology
Classification: Uncertain significance for Spinocerebellar ataxia type 42; Spinocerebellar ataxia 42, early-onset, severe, with neurodevelopmental deficits. Last evaluated: 2021-07-01. Review status: criteria provided, single submitter. Criteria: ACMG Guidelines, 2015. Collection method: clinical testing. Allele origin: unknown. Inheritance: Autosomal dominant inheritance. Affected: yes. Observed: 1 variant allele, 1 heterozygote.
Comment: The c.2885T>C variant is not present in publicly available population databases like 1000 Genomes, Exome Variant Server (EVS), Exome Aggregation Consortium (ExAC), Genome Aggregation Database (gnomAD) and dbSNP. The variant is not present in Indian Exome Database and in our in-house exome database. The variant was not earlier reported to ClinVar, Human Genome Mutation Database (HGMD) and/or OMIM databases in any affected individuals. In-silico pathogenicity prediction programs like SIFT, PolyPhen-3, MutationTaster2, CADD etc. predicted this variant to be likely deleterious.